The following is an entry in ClinVar:

NM_000539.3(RHO):c.209C>T (p.Thr70Met)

Gene: RHO (rhodopsin; plus strand). Cytogenetic location: 3q22.1.
Variant type: single nucleotide variant.
Coding change: c.209C>T on transcript NM_000539.3 (MANE Select); coding-DNA position 209, C replaced by T.
Protein change: p.Thr70Met; replaces threonine 70 with methionine.
Molecular consequence: missense variant.
Genome position (GRCh38, 1-based): chr3:129,528,942, C>T. VCF-style: chr3-129528942-C-T. GRCh37 (hg19) VCF-style: chr3-129247785-C-T.
Other names: short protein forms T70M.
Identifiers: ClinVar variation 834861 (VCV000834861.12), dbSNP rs143559914, ClinGen allele CA2607087.

ClinVar aggregate classification (germline): Conflicting classifications of pathogenicity. Review status: criteria provided, conflicting classifications (1 of 4 stars). 3 submissions from 3 submitters: Uncertain significance (2); Likely benign (1). Last evaluated 2026-04-07.

Conditions:
Congenital stationary night blindness. Also called: Early-onset non-progressive night blindness. Identifiers: Orphanet 215, MedGen C0339535, MONDO:0016293, HP:0007642.
Retinitis pigmentosa (RP). Identifiers: Orphanet 791, MedGen C0035334, MeSH D012174, MONDO:0019200, OMIM 268000. Inheritance: Autosomal dominant, autosomal recessive and X linked inheritance.
RHO-related disorder. Also called: RHO-related condition.

Allele frequency attached by ClinVar (database versions not stated): ESP Exome Variant Server 0.00015; gnomAD 0.00031; TOPMed 0.00060; 1000 Genomes Project 0.00080; 1000 Genomes Project 30x 0.00094; gnomAD exomes 0.00003 and 0.00009; ExAC 0.00008.
gnomAD v4.1: 103 of 1,614,236 alleles (0.0064%); highest among the groups gnomAD compares: Admixed American, 0.055%; no homozygotes.

Submissions (3):

PreventionGenetics, part of Exact Sciences
Classification: Uncertain significance for RHO-related condition. Last evaluated: 2026-04-07. Review status: criteria provided, single submitter. Criteria: ACMG Guidelines, 2015. Collection method: clinical testing. Allele origin: germline.
Comment: The RHO c.209C>T variant is predicted to result in the amino acid substitution p.Thr70Met. This variant has been reported in an individual with retinitis pigmentosa, but was absent from their affected family members, suggesting it may be benign (Sullivan et al. 2006. PubMed ID: 16799052). This variant is reported in 0.056% of alleles in individuals of African descent in gnomAD. Although we suspect that this variant may be benign, at this time, the clinical significance of this variant is uncertain due to the absence of conclusive functional and genetic evidence.

Labcorp Genetics (formerly Invitae), Labcorp
Classification: Uncertain significance. Last evaluated: 2025-05-12. Review status: criteria provided, single submitter. Criteria: Invitae Variant Classification Sherloc (09022015). Collection method: clinical testing. Allele origin: germline.
Comment: This sequence change replaces threonine, which is neutral and polar, with methionine, which is neutral and non-polar, at codon 70 of the RHO protein (p.Thr70Met). This variant is present in population databases (rs143559914, gnomAD 0.05%). This missense change has been observed in individual(s) with retinitis pigmentosa (PMID: 16799052). ClinVar contains an entry for this variant (Variation ID: 834861). Invitae Evidence Modeling of protein sequence and biophysical properties (such as structural, functional, and spatial information, amino acid conservation, physicochemical variation, residue mobility, and thermodynamic stability) indicates that this missense variant is expected to disrupt RHO protein function with a positive predictive value of 95%. In summary, the available evidence is currently insufficient to determine the role of this variant in disease. Therefore, it has been classified as a Variant of Uncertain Significance.

Blueprint Genetics
Classification: Likely benign. Last evaluated: 2022-03-05. Review status: criteria provided, single submitter. Criteria: ACMG Guidelines, 2015. Collection method: clinical testing. Allele origin: germline.

Literature cited by the submitters: PubMed 16799052 (cited by Labcorp Genetics (formerly Invitae), Labcorp).